The following is an entry in ClinVar:

ClinVar aggregate classification (germline): Uncertain significance (1 of 4 stars; one submission).

Conditions:
NCOA1-related disorder. Also called: NCOA1-related condition.

gnomAD v4.1: 4 of 1,614,202 alleles (0.00025%); highest among the groups gnomAD compares: Non-Finnish European, 0.00034%; no homozygotes.

Submission:

PreventionGenetics, part of Exact Sciences
Classification: Uncertain significance for NCOA1-related condition. Last evaluated: 2025-07-10. Review status: criteria provided, single submitter. Criteria: ACMG Guidelines, 2015. Collection method: clinical testing. Allele origin: germline.
Comment: The NCOA1 c.2014T>C variant is predicted to result in the amino acid substitution p.Ser672Pro. To our knowledge, this variant has not been reported in the literature or in a large population database (gnomAD), indicating this variant is rare. At this time, the clinical significance of this variant is uncertain due to the absence of conclusive functional and genetic evidence.

NM_003743.5(NCOA1):c.2014T>C (p.Ser672Pro)

Gene: NCOA1 (nuclear receptor coactivator 1; plus strand). Cytogenetic location: 2p23.3.
Variant type: single nucleotide variant.
Coding change: c.2014T>C on transcript NM_003743.5 (MANE Select); coding-DNA position 2014, T replaced by C.
Protein change: p.Ser672Pro; replaces serine 672 with proline.
Molecular consequence: missense variant.
Genome position (GRCh38, 1-based): chr2:24,707,484, T>C. VCF-style: chr2-24707484-T-C. GRCh37 (hg19) VCF-style: chr2-24930353-T-C.
Other names: c.2014T>C, p.Ser672Pro (NM_001362950.1, NM_001362952.1, NM_001362954.1 and 3 more transcripts); short protein forms S672P.
Identifiers: ClinVar variation 4996898 (VCV004996898.1).